The following is an entry in ClinVar:

ClinVar aggregate classification (germline): Uncertain significance. Review status: criteria provided, single submitter (1 of 4 stars). 2 submissions from 2 submitters: Uncertain significance (1). 1 of the submissions does not count toward it. Last evaluated 2024-08-18.

Conditions:
CREBBP-related disorder. Also called: CREBBP-related condition; CREBBP-related disorders.
Rubinstein-Taybi syndrome (RSTS). Identifiers: Orphanet 783, MedGen C0035934, MONDO:0019188.

Allele frequency attached by ClinVar (database versions not stated): gnomAD exomes below 0.00001.
gnomAD v4.1: 3 of 1,613,386 alleles (0.00019%); highest among the groups gnomAD compares: African/African-American, 0.004%; no homozygotes.

Submissions (2):

Labcorp Genetics (formerly Invitae), Labcorp
Classification: Uncertain significance for Rubinstein-Taybi syndrome. Last evaluated: 2024-08-18. Review status: criteria provided, single submitter. Criteria: Invitae Variant Classification Sherloc (09022015). Collection method: clinical testing. Allele origin: germline.
Comment: This sequence change replaces glycine, which is neutral and non-polar, with valine, which is neutral and non-polar, at codon 2223 of the CREBBP protein (p.Gly2223Val). This variant is not present in population databases (gnomAD no frequency). This variant has not been reported in the literature in individuals affected with CREBBP-related conditions. Invitae Evidence Modeling of protein sequence and biophysical properties (such as structural, functional, and spatial information, amino acid conservation, physicochemical variation, residue mobility, and thermodynamic stability) indicates that this missense variant is not expected to disrupt CREBBP protein function with a negative predictive value of 95%. In summary, the available evidence is currently insufficient to determine the role of this variant in disease. Therefore, it has been classified as a Variant of Uncertain Significance.

PreventionGenetics, part of Exact Sciences
Classification: Uncertain significance for CREBBP-related condition. Last evaluated: 2024-07-17. Review status: no assertion criteria provided. Collection method: clinical testing. Allele origin: germline. Not counted in ClinVar's aggregate classification.
Comment: The CREBBP c.6668G>T variant is predicted to result in the amino acid substitution p.Gly2223Val. To our knowledge, this variant has not been reported in the literature or in a large population database, indicating this variant is rare. At this time, the clinical significance of this variant is uncertain due to the absence of conclusive functional and genetic evidence.

NM_004380.3(CREBBP):c.6668G>T (p.Gly2223Val)

Gene: CREBBP (CREB binding lysine acetyltransferase; minus strand). Cytogenetic location: 16p13.3.
Variant type: single nucleotide variant.
Coding change: c.6668G>T on transcript NM_004380.3 (MANE Select); coding-DNA position 6668, G replaced by T.
Protein change: p.Gly2223Val; replaces glycine 2223 with valine.
Molecular consequence: missense variant.
Genome position (GRCh38, 1-based): chr16:3,728,379, C>A on the plus strand (G>T on the coding strand, the complement: CREBBP is on the minus strand). VCF-style: chr16-3728379-C-A. GRCh37 (hg19) VCF-style: chr16-3778380-C-A.
Other names: c.6554G>T, p.Gly2185Val (NM_001079846.1); c.6668G>T (NM_004380.2); short protein forms G2223V, G2185V.
Identifiers: ClinVar variation 3016926 (VCV003016926.4), dbSNP rs1030728642, ClinGen allele CA276971280.